The following is an entry in ClinVar:

ClinVar aggregate classification (germline): Uncertain significance. Review status: criteria provided, multiple submitters, no conflicts (2 of 4 stars). 4 submissions from 4 submitters: Uncertain significance (4). Last evaluated 2023-10-06.

Conditions:
Hereditary cancer-predisposing syndrome. Also called: Hereditary Cancer Syndrome; Neoplastic Syndromes, Hereditary; Tumor predisposition; Hereditary neoplastic syndrome. Identifiers: Orphanet 140162, MedGen C0027672, MeSH D009386, MONDO:0015356.
Hereditary breast ovarian cancer syndrome. Also called: Hereditary breast and ovarian cancer syndrome; Hereditary breast and ovarian cancer syndrome (HBOC); Hereditary breast and ovarian cancer; Hereditary breast and/or ovarian cancer syndrome; Breast and ovarian cancer; BRCA1- and BRCA2-Associated Hereditary Breast and Ovarian Cancer. Identifiers: Orphanet 145, MedGen C0677776, MeSH D061325, MONDO:0003582. Disease mechanism: loss of function.
Breast-ovarian cancer, familial, susceptibility to, 2 (BROVCA2). Also called: BRCA2 Hereditary Breast and Ovarian Cancer. Identifiers: Orphanet 145, MedGen C2675520, MONDO:0012933, OMIM 612555. Disease mechanism: loss of function.

Submissions (4):

All of Us Research Program, National Institutes of Health
Classification: Uncertain significance for Breast-ovarian cancer, familial, susceptibility to, 2. Last evaluated: 2023-10-06. Review status: criteria provided, single submitter. Criteria: ACMG Guidelines, 2015. Collection method: clinical testing. Allele origin: germline. Inheritance: Autosomal dominant inheritance. Observed: 1 variant allele, 1 heterozygote.
Comment: This variant causes an A to G nucleotide substitution at the +4 position of intron 12 of the BRCA2 gene. Splice site prediction tools predict that this variant may have a significant impact on RNA splicing. To our knowledge, RNA studies have not been reported for this variant. This variant has not been reported in individuals affected with BRCA2-related disorders in the literature. This variant has not been identified in the general population by the Genome Aggregation Database (gnomAD). The available evidence is insufficient to determine the role of this variant in disease conclusively. Therefore, this variant is classified as a Variant of Uncertain Significance.

This study involves interpretation of variants in research participants for the purpose of population health screening. Participant phenotype was not available at the time of variant classification. Additional details can be found in publication PMID: 35346344, PMCID: PMC8962531

Color Diagnostics, LLC DBA Color Health
Classification: Uncertain significance for Hereditary cancer-predisposing syndrome. Last evaluated: 2023-09-13. Review status: criteria provided, single submitter. Criteria: ACMG Guidelines, 2015. Collection method: clinical testing. Allele origin: germline.
Comment: This variant causes an A to G nucleotide substitution at the +4 position of intron 12 of the BRCA2 gene. Splice site prediction tools predict that this variant may have a significant impact on RNA splicing. To our knowledge, RNA studies have not been reported for this variant. This variant has not been reported in individuals affected with BRCA2-related disorders in the literature. This variant has not been identified in the general population by the Genome Aggregation Database (gnomAD). The available evidence is insufficient to determine the role of this variant in disease conclusively. Therefore, this variant is classified as a Variant of Uncertain Significance.

Ambry Genetics
Classification: Uncertain significance for Hereditary cancer-predisposing syndrome. Last evaluated: 2022-10-17. Review status: criteria provided, single submitter. Criteria: Ambry Variant Classification Scheme 2023. Collection method: clinical testing. Allele origin: germline.
Comment: The c.6937+4A>G intronic variant results from an A to G substitution 4 nucleotides after coding exon 11 in the BRCA2 gene. This nucleotide position is highly conserved in available vertebrate species. In silico splice site analysis predicts that this alteration will weaken the native splice donor site. Since supporting evidence is limited at this time, the clinical significance of this alteration remains unclear.

Labcorp Genetics (formerly Invitae), Labcorp
Classification: Uncertain significance for Hereditary breast ovarian cancer syndrome. Last evaluated: 2019-11-18. Review status: criteria provided, single submitter. Criteria: Invitae Variant Classification Sherloc (09022015). Collection method: clinical testing. Allele origin: germline.
Comment: This variant has not been reported in the literature in individuals with BRCA2-related conditions. ClinVar contains an entry for this variant (Variation ID: 630698). Nucleotide substitutions within the consensus splice site are a relatively common cause of aberrant splicing (PMID: 17576681, 9536098). Algorithms developed to predict the effect of sequence changes on RNA splicing suggest that this variant may disrupt the consensus splice site, but this prediction has not been confirmed by published transcriptional studies. In summary, the available evidence is currently insufficient to determine the role of this variant in disease. Therefore, it has been classified as a Variant of Uncertain Significance. This sequence change falls in intron 12 of the BRCA2 gene. It does not directly change the encoded amino acid sequence of the BRCA2 protein, but it affects a nucleotide within the consensus splice site of the intron. This variant is not present in population databases (ExAC no frequency).

Literature cited by the submitters: PubMed 17576681 (cited by Labcorp Genetics (formerly Invitae), Labcorp); PubMed 9536098 (cited by Labcorp Genetics (formerly Invitae), Labcorp).

NM_000059.4(BRCA2):c.6937+4A>G

Gene: BRCA2 (BRCA2 DNA repair associated; plus strand). Cytogenetic location: 13q13.1.
Variant type: single nucleotide variant.
Coding change: c.6937+4A>G on transcript NM_000059.4 (MANE Select); 4 bases into the intron after coding-DNA position 6937, A replaced by G.
Molecular consequence: intron variant.
Genome position (GRCh38, 1-based): chr13:32,344,657, A>G. VCF-style: chr13-32344657-A-G. GRCh37 (hg19) VCF-style: chr13-32918794-A-G.
Identifiers: ClinVar variation 630698 (VCV000630698.16), dbSNP rs1566237018, ClinGen allele CA913188599.
Genomic context (GRCh38, chr13:32,344,657, plus strand): 5'-ACAGGATAATAGAAAATCAAGAAAAATCCTTAAAGGCTTCAAAAAGCACTCCAGATGGTA[A>G]AATTAGCTTTTTATTTATATCTGTTCTCCCTCTATAGGTATGGTATATAATATTCTGACC-3'